The following is an entry in ClinVar:

ClinVar aggregate classification (germline): Conflicting classifications of pathogenicity. Review status: criteria provided, conflicting classifications (1 of 4 stars). 4 submissions from 4 submitters: Uncertain significance (2); Likely benign (2). Last evaluated 2025-05-16.

Conditions:
Cardiovascular phenotype. Identifiers: MedGen CN230736.
Hypercholesterolemia, autosomal dominant, type B (FHCL2). Also called: Familial hypercholesterolemia 2; Familial Hypercholesterolemia Type B; APOLIPOPROTEIN B-100, FAMILIAL DEFECTIVE; APOLIPOPROTEIN B-100, FAMILIAL LIGAND-DEFECTIVE; HYPERCHOLESTEROLEMIA, FAMILIAL, DUE TO LIGAND-DEFECTIVE APOLIPOPROTEIN B; APOB-Related Familial Hypercholesterolemia, Autosomal Dominant. Identifiers: MedGen C1704417, MONDO:0007751, OMIM 144010.
Familial hypobetalipoproteinemia 1. Also called: Hypobetalipoproteinemia, normotriglyceridemic; Acanthocytosis with hypobetalipoproteinemia; APOB-Related Familial Hypobetalipoproteinemia. Identifiers: MedGen C4551990, MONDO:0014252, OMIM 615558.

Allele frequency attached by ClinVar (database versions not stated): gnomAD exomes 0.00002 and 0.00004; ExAC 0.00007; gnomAD 0.00021 and 0.00023; TOPMed 0.00025; ESP Exome Variant Server 0.00038.
gnomAD v4.1: 67 of 1,613,854 alleles (0.0042%); highest among the groups gnomAD compares: African/African-American, 0.081%; no homozygotes.

Submissions (4):

Ambry Genetics
Classification: Likely benign for Cardiovascular phenotype. Last evaluated: 2025-05-16. Review status: criteria provided, single submitter. Criteria: Ambry Variant Classification Scheme 2023. Collection method: clinical testing. Allele origin: germline.

Women's Health and Genetics/Laboratory Corporation of America, LabCorp
Classification: Uncertain significance. Last evaluated: 2024-09-09. Review status: criteria provided, single submitter. Criteria: LabCorp Variant Classification Summary - May 2015. Collection method: clinical testing. Allele origin: germline.
Comment: Variant summary: APOB c.10882A>T (p.Asn3628Tyr) results in a non-conservative amino acid change in the encoded protein sequence. Three of five in-silico tools predict a damaging effect of the variant on protein function. The variant allele was found at a frequency of 4.4e-05 in 250880 control chromosomes. This frequency is not significantly higher than estimated for a pathogenic variant in APOB causing Familial Hypercholesterolemia (4.4e-05 vs 6.3e-05), allowing no conclusion about variant significance. To our knowledge, no occurrence of c.10882A>T in individuals affected with Familial Hypercholesterolemia and no experimental evidence demonstrating its impact on protein function have been reported. ClinVar contains an entry for this variant (Variation ID: 334105). Based on the evidence outlined above, the variant was classified as uncertain significance.

Labcorp Genetics (formerly Invitae), Labcorp
Classification: Likely benign for Familial hypobetalipoproteinemia 1; Hypercholesterolemia, autosomal dominant, type B. Last evaluated: 2024-03-21. Review status: criteria provided, single submitter. Criteria: Invitae Variant Classification Sherloc (09022015). Collection method: clinical testing. Allele origin: germline.

Quest Diagnostics Nichols Institute San Juan Capistrano
Classification: Uncertain significance. Last evaluated: 2020-05-07. Review status: criteria provided, single submitter. Criteria: Quest Diagnostics criteria. Collection method: clinical testing. Allele origin: unknown.

NM_000384.3(APOB):c.10882A>T (p.Asn3628Tyr)

Gene: APOB (apolipoprotein B; minus strand). Cytogenetic location: 2p24.1.
Variant type: single nucleotide variant.
Coding change: c.10882A>T on transcript NM_000384.3 (MANE Select); coding-DNA position 10882, A replaced by T.
Protein change: p.Asn3628Tyr; replaces asparagine 3628 with tyrosine.
Molecular consequence: missense variant.
Genome position (GRCh38, 1-based): chr2:21,005,986, T>A on the plus strand (A>T on the coding strand, the complement: APOB is on the minus strand). VCF-style: chr2-21005986-T-A. GRCh37 (hg19) VCF-style: chr2-21228858-T-A.
Other names: short protein forms N3628Y.
Identifiers: ClinVar variation 334105 (VCV000334105.25), dbSNP rs141982176, ClinGen allele CA045069.
Genomic context (GRCh38, chr2:21,005,986, plus strand): 5'-CCTGGCTCTGGAAAGACCCAGAATGAATCCGGACTTCATTTTTCCATCTGATCTTCTGGT[T>A]CTTAGTGTTAGCATTCAGGGCCACTTCCTGGCCAAGGTCAGGGAAATCATGGAAGGAACT-3'
Protein context (NP_000375.3, residues 3618-3638): QEVALNANTK[Asn3628Tyr]QKIRWKNEVR